The following is an entry in ClinVar:

NM_021728.4(OTX2):c.459C>T (p.Ser153=)

Gene: OTX2 (orthodenticle homeobox 2; minus strand). Cytogenetic location: 14q22.3.
Variant type: single nucleotide variant.
Coding change: c.459C>T on transcript NM_021728.4 (MANE Select); coding-DNA position 459, C replaced by T.
Protein change: p.Ser153=; no amino-acid change (serine 153 retained).
Molecular consequence: synonymous variant. On other transcripts: non-coding transcript variant (2).
Genome position (GRCh38, 1-based): chr14:56,802,170, G>A on the plus strand (C>T on the coding strand, the complement: OTX2 is on the minus strand). VCF-style: chr14-56802170-G-A. GRCh37 (hg19) VCF-style: chr14-57268888-G-A.
Other names: c.435C>T, p.Ser145= (NM_001270523.2, NM_001270524.2, NM_172337.3); c.459C>T, p.Ser153= (NM_001270525.2).
Identifiers: ClinVar variation 313417 (VCV000313417.23), dbSNP rs34537598, ClinGen allele CA7200470.

ClinVar aggregate classification (germline): Benign/Likely benign. Review status: criteria provided, multiple submitters, no conflicts (2 of 4 stars). 7 submissions from 6 submitters: Benign (5); Likely benign (2). Last evaluated 2026-05-15.

Conditions:
Pituitary hormone deficiency, combined, 6. Identifiers: MedGen C3151440, MONDO:0013518, OMIM 613986.
Anophthalmia-microphthalmia syndrome. Also called: Anophthalmia/Microphthalmia; Anophthalmia - microphthalmia. Identifiers: Orphanet 98555, MedGen C5680330, MONDO:0020147.
Syndromic microphthalmia type 5 (MCOPS5). Also called: RETINAL DYSTROPHY, EARLY-ONSET, WITH PITUITARY DYSFUNCTION; RETINAL DYSTROPHY, EARLY-ONSET, WITHOUT PITUITARY DYSFUNCTION. Identifiers: Orphanet 178364, MedGen C1864690, MONDO:0012413, OMIM 610125.

Allele frequency attached by ClinVar (database versions not stated): gnomAD exomes 0.00222; ExAC 0.00279; gnomAD 0.00893 and 0.00961; ESP Exome Variant Server 0.00984; TOPMed 0.01009; 1000 Genomes Project 0.01298; 1000 Genomes Project 30x 0.01312.

Submissions (7):

Women's Health and Genetics/Laboratory Corporation of America, LabCorp
Classification: Benign. Last evaluated: 2026-05-15. Review status: criteria provided, single submitter. Criteria: LabCorp Variant Classification Summary - May 2015. Collection method: clinical testing. Allele origin: germline.

Labcorp Genetics (formerly Invitae), Labcorp
Classification: Benign for Anophthalmia-microphthalmia syndrome. Last evaluated: 2026-02-02. Review status: criteria provided, single submitter. Criteria: Invitae Variant Classification Sherloc (09022015). Collection method: clinical testing. Allele origin: germline.

Blueprint Genetics
Classification: Benign. Last evaluated: 2024-11-26. Review status: criteria provided, single submitter. Criteria: ACMG Guidelines, 2015. Collection method: clinical testing. Allele origin: germline.

Fulgent Genetics
Classification: Likely benign for Syndromic microphthalmia type 5; Pituitary hormone deficiency, combined, 6. Last evaluated: 2021-10-25. Review status: criteria provided, single submitter. Criteria: ACMG Guidelines, 2015. Collection method: clinical testing. Allele origin: unknown.

Illumina Laboratory Services, Illumina
Classification: Benign for Pituitary hormone deficiency, combined, 6. Last evaluated: 2018-01-12. Review status: criteria provided, single submitter. Criteria: ICSL Variant Classification Criteria 13 December 2019. Collection method: clinical testing. Allele origin: germline.
Comment: This variant was observed in the ICSL laboratory as part of a predisposition screen in an ostensibly healthy population. It had not been previously curated by ICSL or reported in the Human Gene Mutation Database (HGMD: prior to June 1st, 2018), and was therefore a candidate for classification through an automated scoring system. Utilizing variant allele frequency, disease prevalence and penetrance estimates, and inheritance mode, an automated score was calculated to assess if this variant is too frequent to cause the disease. Based on the score and internal cut-off values, a variant classified as benign is not then subjected to further curation. The score for this variant resulted in a classification of benign for this disease.

Illumina Laboratory Services, Illumina
Classification: Benign for Syndromic microphthalmia type 5. Last evaluated: 2018-01-12. Review status: criteria provided, single submitter. Criteria: ICSL Variant Classification Criteria 13 December 2019. Collection method: clinical testing. Allele origin: germline.
Comment: the same text as in the submission from Illumina Laboratory Services, Illumina above.

Breakthrough Genomics
Classification: Likely benign. Review status: criteria provided, single submitter. Criteria: ACMG Guidelines, 2015. Collection method: not provided. Allele origin: germline. Inheritance: Autosomal dominant inheritance. Affected: yes.